The following is an entry in ClinVar:

ClinVar aggregate classification (germline): Uncertain significance (1 of 4 stars; one submission).

Submission:

Laboratory for Molecular Medicine, Mass General Brigham Personalized Medicine
Classification: Uncertain significance. Last evaluated: 2016-10-20. Review status: criteria provided, single submitter. Criteria: LMM Criteria. Collection method: clinical testing. Allele origin: germline.
Comment: Variant identified in a genome or exome case(s) and assessed due to predicted null impact of the variant or pathogenic assertions in the literature or databases. Disclaimer: This variant has not undergone full assessment. The following are preliminary notes: LOF of this gene not has not been reported in Brugada/SIDS/SCD

NM_015141.4(GPD1L):c.352_353insC (p.Ile118fs)

Gene: GPD1L (glycerol-3-phosphate dehydrogenase 1 like; plus strand). Cytogenetic location: 3p22.3.
Variant type: Insertion.
Coding change: c.352_353insC on transcript NM_015141.4 (MANE Select); coding-DNA positions 352 to 353, C inserted.
Protein change: p.Ile118fs; shifts the reading frame from isoleucine 118.
Molecular consequence: frameshift variant.
Genome position: GRCh38 VCF-style: chr3-32138713-A-AC. GRCh37 (hg19) VCF-style: chr3-32180205-A-AC.
Other names: short protein forms I118fs.
Identifiers: ClinVar variation 402908 (VCV000402908.4), dbSNP rs1060499860, ClinGen allele CA16609723.